The following is an entry in ClinVar:

NM_014855.3(AP5Z1):c.1018C>T (p.Pro340Ser)

Gene: AP5Z1 (adaptor related protein complex 5 subunit zeta 1; plus strand). Cytogenetic location: 7p22.1.
Variant type: single nucleotide variant.
Coding change: c.1018C>T on transcript NM_014855.3 (MANE Select); coding-DNA position 1018, C replaced by T.
Protein change: p.Pro340Ser; replaces proline 340 with serine.
Molecular consequence: missense variant. On other transcripts: non-coding transcript variant (1).
Genome position (GRCh38, 1-based): chr7:4,785,570, C>T. VCF-style: chr7-4785570-C-T. GRCh37 (hg19) VCF-style: chr7-4825201-C-T.
Other names: p.Pro340Ser; c.550C>T, p.Pro184Ser (NM_001364858.1); short protein forms P184S, P340S.
Identifiers: ClinVar variation 1693947 (VCV001693947.34), dbSNP rs561646689, ClinGen allele CA4137565.

ClinVar aggregate classification (germline): Conflicting classifications of pathogenicity. Review status: criteria provided, conflicting classifications (1 of 4 stars). 2 submissions from 2 submitters: Uncertain significance (1); Likely benign (1). Last evaluated 2022-06-01.

Allele frequency attached by ClinVar (database versions not stated): gnomAD 0.00001; TOPMed 0.00002; 1000 Genomes Project 0.00020; 1000 Genomes Project 30x 0.00031.
gnomAD v4.1: 21 of 1,609,458 alleles (0.0013%); highest among the groups gnomAD compares: Admixed American, 0.017%; no homozygotes.

Submissions (2):

CeGaT Center for Human Genetics Tuebingen
Classification: Likely benign. Last evaluated: 2022-06-01. Review status: criteria provided, single submitter. Criteria: CeGaT Center For Human Genetics Tuebingen Variant Classification Criteria Version 2. Collection method: clinical testing. Allele origin: germline. Affected: yes. Observed: 1 variant allele.
Comment: AP5Z1: BP4

Mayo Clinic Laboratories, Mayo Clinic
Classification: Uncertain significance. Last evaluated: 2022-01-12. Review status: criteria provided, single submitter. Criteria: ACMG Guidelines, 2015. Collection method: clinical testing. Allele origin: germline.